The following is an entry in ClinVar:

ClinVar aggregate classification (germline): Uncertain significance (0 of 4 stars; one submission).

Conditions:
SH2B1-related disorder. Also called: SH2B1-related condition.

Submission:

PreventionGenetics, part of Exact Sciences
Classification: Uncertain significance for SH2B1-related condition. Last evaluated: 2024-03-05. Review status: no assertion criteria provided. Collection method: clinical testing. Allele origin: germline.
Comment: The SH2B1 c.1484C>T variant is predicted to result in the amino acid substitution p.Pro495Leu. To our knowledge, this variant has not been reported in the literature. This variant is reported in 0.010% of alleles in individuals of Ashkenazi Jewish descent in gnomAD. At this time, the clinical significance of this variant is uncertain due to the absence of conclusive functional and genetic evidence.

NM_001387430.1(SH2B1):c.1484C>T (p.Pro495Leu)

Gene: SH2B1 (SH2B adaptor protein 1; plus strand). Cytogenetic location: 16p11.2.
Variant type: single nucleotide variant.
Coding change: c.1484C>T on transcript NM_001387430.1 (MANE Select); coding-DNA position 1484, C replaced by T.
Protein change: p.Pro495Leu; replaces proline 495 with leucine.
Molecular consequence: missense variant.
Genome position (GRCh38, 1-based): chr16:28,871,954, C>T. VCF-style: chr16-28871954-C-T. GRCh37 (hg19) VCF-style: chr16-28883275-C-T.
Other names: c.1484C>T, p.Pro495Leu (NM_001145795.2, NM_001145796.2, NM_001145797.2 and 4 more transcripts); c.476C>T, p.Pro159Leu (NM_001308294.2); short protein forms P159L, P495L.
Identifiers: ClinVar variation 3358101 (VCV003358101.1).